The following is an entry in ClinVar:

ClinVar aggregate classification (germline): Pathogenic (1 of 4 stars; one submission).

Conditions:
Glycine encephalopathy 1 (GCE1). Identifiers: MedGen CN376801, MONDO:0958179, OMIM 605899.

Submission:

Myriad Genetics, Inc.
Classification: Pathogenic for Glycine encephalopathy 1. Last evaluated: 2026-06-04. Review status: criteria provided, single submitter. Criteria: Myriad Autosomal Dominant, Autosomal Recessive and X-Linked Classification Criteria (2023). Collection method: clinical testing. Allele origin: unknown.
Comment: NM_000170.2(GLDC):c.513dupG(R172Efs*14) is expected to be pathogenic in the context of glycine encephalopathy, GLDC-related. This variant is predicted to lead to an abnormal or absent protein product due to the creation of a premature termination codon in GLDC, a gene where loss-of-function variants are known to be pathogenic. Please note: this variant was assessed in the context of healthy population screening.

NM_000170.3(GLDC):c.513dup (p.Arg172fs)

Gene: GLDC (glycine decarboxylase; minus strand). Cytogenetic location: 9p24.1.
Variant type: Duplication.
Coding change: c.513dup on transcript NM_000170.3 (MANE Select); coding-DNA position 513, one base duplicated (G; older notation c.513dupG).
Protein change: p.Arg172fs; shifts the reading frame from arginine 172.
Molecular consequence: frameshift variant.
Genome position (GRCh38, 1-based): chr9:6,610,314, C duplicated on the plus strand (G on the coding strand, the reverse complement: GLDC is on the minus strand); the first of 4 consecutive C bases (chr9:6,610,314-6,610,317); duplicating any one gives the same sequence. VCF-style (leftmost placement, unchanged base first): chr9-6610313-T-TC. GRCh37 (hg19) VCF-style: chr9-6610313-T-TC.
Other names: short protein forms R172fs.
Identifiers: ClinVar variation 5015991 (VCV005015991.1).